The following is an entry in ClinVar:

NM_000057.4(BLM):c.985G>A (p.Asp329Asn)

Gene: BLM (BLM RecQ like helicase; plus strand). Cytogenetic location: 15q26.1.
Variant type: single nucleotide variant.
Coding change: c.985G>A on transcript NM_000057.4 (MANE Select); coding-DNA position 985, G replaced by A.
Protein change: p.Asp329Asn; replaces aspartic acid 329 with asparagine.
Molecular consequence: missense variant. On other transcripts: 5 prime UTR variant (1).
Genome position (GRCh38, 1-based): chr15:90,754,836, G>A. VCF-style: chr15-90754836-G-A. GRCh37 (hg19) VCF-style: chr15-91298066-G-A.
Other names: c.985G>A, p.Asp329Asn (NM_001287246.2, NM_001287247.2); c.-307G>A (NM_001287248.2); c.985G>A (NM_000057.2); short protein forms D329N.
Identifiers: ClinVar variation 1423399 (VCV001423399.9), dbSNP rs1895774818, ClinGen allele CA393842033.

ClinVar aggregate classification (germline): Uncertain significance. Review status: criteria provided, multiple submitters, no conflicts (2 of 4 stars). 2 submissions from 2 submitters: Uncertain significance (2). Last evaluated 2025-03-18.

Conditions:
Bloom syndrome (BLM). Also called: Bloom-Torre-Machacek syndrome. Identifiers: Orphanet 125, MedGen C0005859, MONDO:0008876, OMIM 210900.
Hereditary cancer-predisposing syndrome. Also called: Neoplastic Syndromes, Hereditary; Hereditary Cancer Syndrome; Hereditary neoplastic syndrome; Tumor predisposition. Identifiers: Orphanet 140162, MedGen C0027672, MeSH D009386, MONDO:0015356.

Allele frequency attached by ClinVar (database versions not stated): gnomAD exomes below 0.00001.
gnomAD v4.1: 1 of 1,613,812 alleles (0.000062%); highest among the groups gnomAD compares: Non-Finnish European, 0.000085%; no homozygotes.

Submissions (2):

Labcorp Genetics (formerly Invitae), Labcorp
Classification: Uncertain significance for Bloom syndrome. Last evaluated: 2025-03-18. Review status: criteria provided, single submitter. Criteria: Invitae Variant Classification Sherloc (09022015). Collection method: clinical testing. Allele origin: germline.
Comment: This sequence change replaces aspartic acid, which is acidic and polar, with asparagine, which is neutral and polar, at codon 329 of the BLM protein (p.Asp329Asn). This variant is not present in population databases (gnomAD no frequency). This variant has not been reported in the literature in individuals affected with BLM-related conditions. ClinVar contains an entry for this variant (Variation ID: 1423399). Invitae Evidence Modeling of protein sequence and biophysical properties (such as structural, functional, and spatial information, amino acid conservation, physicochemical variation, residue mobility, and thermodynamic stability) indicates that this missense variant is not expected to disrupt BLM protein function with a negative predictive value of 80%. In summary, the available evidence is currently insufficient to determine the role of this variant in disease. Therefore, it has been classified as a Variant of Uncertain Significance.

Ambry Genetics
Classification: Uncertain significance for Hereditary cancer-predisposing syndrome. Last evaluated: 2024-08-12. Review status: criteria provided, single submitter. Criteria: Ambry Variant Classification Scheme 2023. Collection method: clinical testing. Allele origin: germline.
Comment: The p.D329N variant (also known as c.985G>A), located in coding exon 4 of the BLM gene, results from a G to A substitution at nucleotide position 985. The aspartic acid at codon 329 is replaced by asparagine, an amino acid with highly similar properties. This amino acid position is conserved. In addition, this alteration is predicted to be tolerated by in silico analysis. Based on the available evidence, the clinical significance of this variant remains unclear.